The following is an entry in ClinVar:

ClinVar aggregate classification (germline): Uncertain significance. Review status: criteria provided, multiple submitters, no conflicts (2 of 4 stars). 2 submissions from 2 submitters: Uncertain significance (2). Last evaluated 2024-09-24.

Conditions:
HNSHA due to aldolase A deficiency (GSD12). Also called: GLYCOGEN STORAGE DISEASE XII; GSD XII; RED CELL ALDOLASE DEFICIENCY; Glycogen storage disease due to aldolase A deficiency. Identifiers: Orphanet 57, MedGen C0272066, MONDO:0012747, OMIM 611881.

Allele frequency attached by ClinVar (database versions not stated): TOPMed 0.00001; gnomAD 0.00009; 1000 Genomes Project 30x 0.00078; 1000 Genomes Project 0.00100.
gnomAD v4.1: 206 of 1,614,098 alleles (0.013%); highest among the groups gnomAD compares: South Asian, 0.21%; 1 homozygote.

Submissions (2):

Revvity Omics, Revvity
Classification: Uncertain significance for HNSHA due to aldolase A deficiency. Last evaluated: 2024-09-24. Review status: criteria provided, single submitter. Criteria: ACMG Guidelines, 2015. Collection method: clinical testing. Allele origin: germline.

Labcorp Genetics (formerly Invitae), Labcorp
Classification: Uncertain significance for HNSHA due to aldolase A deficiency. Last evaluated: 2022-07-24. Review status: criteria provided, single submitter. Criteria: Invitae Variant Classification Sherloc (09022015). Collection method: clinical testing. Allele origin: germline.
Comment: This sequence change replaces methionine, which is neutral and non-polar, with isoleucine, which is neutral and non-polar, at codon 233 of the ALDOA protein (p.Met233Ile). This variant is present in population databases (rs550915077, gnomAD 0.2%), including at least one homozygous and/or hemizygous individual. This variant has not been reported in the literature in individuals affected with ALDOA-related conditions. Algorithms developed to predict the effect of missense changes on protein structure and function are either unavailable or do not agree on the potential impact of this missense change (SIFT: "Deleterious"; PolyPhen-2: "Probably Damaging"; Align-GVGD: "Class C0"). In summary, the available evidence is currently insufficient to determine the role of this variant in disease. Therefore, it has been classified as a Variant of Uncertain Significance.

NM_001243177.4(ALDOA):c.861G>A (p.Met287Ile)

Genes: ALDOA (aldolase, fructose-bisphosphate A; plus strand), LOC112694756 (uncharaterized LOC112694756; plus strand). Cytogenetic location: 16p11.2.
Variant type: single nucleotide variant.
Coding change: c.861G>A on transcript NM_001243177.4 (MANE Select); coding-DNA position 861, G replaced by A.
Protein change: p.Met287Ile; replaces methionine 287 with isoleucine.
Molecular consequence: missense variant. On other transcripts: 3 prime UTR variant (3).
Genome position (GRCh38, 1-based): chr16:30,069,573, G>A. VCF-style: chr16-30069573-G-A. GRCh37 (hg19) VCF-style: chr16-30080894-G-A.
Other names: c.699G>A (NM_184041.4); c.*1208G>A (NM_001365304.2, NM_001365305.2, NM_001365307.2); c.699G>A, p.Met233Ile (NM_001127617.2, NM_184041.5, NM_184043.2); short protein forms M287I, M233I.
Identifiers: ClinVar variation 2076563 (VCV002076563.2), dbSNP rs550915077, ClinGen allele CA8001100.